The following is an entry in ClinVar:

NM_024757.5(EHMT1):c.2923C>G (p.Pro975Ala)

Gene: EHMT1 (euchromatic histone lysine methyltransferase 1; plus strand). Cytogenetic location: 9q34.3.
Variant type: single nucleotide variant.
Coding change: c.2923C>G on transcript NM_024757.5 (MANE Select); coding-DNA position 2923, C replaced by G.
Protein change: p.Pro975Ala; replaces proline 975 with alanine.
Molecular consequence: missense variant.
Genome position (GRCh38, 1-based): chr9:137,813,061, C>G. VCF-style: chr9-137813061-C-G. GRCh37 (hg19) VCF-style: chr9-140707513-C-G.
Other names: c.2902C>G, p.Pro968Ala (NM_001354263.2); short protein forms P975A, P968A.
Identifiers: ClinVar variation 2701255 (VCV002701255.3), dbSNP rs2538651378, ClinGen allele CA375793372.

ClinVar aggregate classification (germline): Uncertain significance (1 of 4 stars; one submission).

Conditions:
Kleefstra syndrome 1 (KLEFS1). Identifiers: Orphanet 261494, MedGen C0795833, MONDO:0027407, OMIM 610253.

gnomAD v4.1: 7 of 1,613,958 alleles (0.00043%); highest among the groups gnomAD compares: Non-Finnish European, 0.00059%; no homozygotes.

Submission:

Labcorp Genetics (formerly Invitae), Labcorp
Classification: Uncertain significance for Kleefstra syndrome 1. Last evaluated: 2023-12-06. Review status: criteria provided, single submitter. Criteria: Invitae Variant Classification Sherloc (09022015). Collection method: clinical testing. Allele origin: germline.
Comment: This sequence change replaces proline, which is neutral and non-polar, with alanine, which is neutral and non-polar, at codon 975 of the EHMT1 protein (p.Pro975Ala). This variant is not present in population databases (gnomAD no frequency). This variant has not been reported in the literature in individuals affected with EHMT1-related conditions. Advanced modeling of protein sequence and biophysical properties (such as structural, functional, and spatial information, amino acid conservation, physicochemical variation, residue mobility, and thermodynamic stability) performed at Invitae indicates that this missense variant is not expected to disrupt EHMT1 protein function with a negative predictive value of 80%. In summary, the available evidence is currently insufficient to determine the role of this variant in disease. Therefore, it has been classified as a Variant of Uncertain Significance.